The following is an entry in ClinVar:

NM_001384474.1(LOXHD1):c.4376-1G>C

Gene: LOXHD1 (lipoxygenase homology PLAT domains 1; minus strand). Cytogenetic location: 18q21.1.
Variant type: single nucleotide variant.
Coding change: c.4376-1G>C on transcript NM_001384474.1 (MANE Select); the canonical splice acceptor site of the intron before coding-DNA position 4376, G replaced by C.
Molecular consequence: splice acceptor variant.
Genome position (GRCh38, 1-based): chr18:46,529,332, C>G on the plus strand (G>C on the coding strand, the complement: LOXHD1 is on the minus strand). VCF-style: chr18-46529332-C-G. GRCh37 (hg19) VCF-style: chr18-44109295-C-G.
Other names: c.1043-1G>C (NM_001145472.3); c.755-1G>C (NM_001308013.2); c.4376-1G>C (NM_144612.7).
Identifiers: ClinVar variation 4730921 (VCV004730921.1).

ClinVar aggregate classification (germline): Pathogenic (1 of 4 stars; one submission).

Submission:

Labcorp Genetics (formerly Invitae), Labcorp
Classification: Pathogenic. Last evaluated: 2025-11-10. Review status: criteria provided, single submitter. Criteria: Invitae Variant Classification Sherloc (09022015). Collection method: clinical testing. Allele origin: germline.
Comment: This sequence change affects an acceptor splice site in intron 28 of the LOXHD1 gene. It is expected to disrupt RNA splicing. Variants that disrupt the donor or acceptor splice site typically lead to a loss of protein function (PMID: 16199547), and loss-of-function variants in LOXHD1 are known to be pathogenic (PMID: 19732867, 21465660, 25792669). This variant is not present in population databases (gnomAD no frequency). Disruption of this splice site has been observed in individuals with autosomal recessive nonsyndromic deafness (internal data). Algorithms developed to predict the effect of sequence changes on RNA splicing suggest that this variant may disrupt the consensus splice site. For these reasons, this variant has been classified as Pathogenic.

Literature cited by the submitters: PubMed 16199547; PubMed 19732867; PubMed 21465660; PubMed 25792669.